The following is an entry in ClinVar:

NM_001754.5(RUNX1):c.1377C>G (p.His459Gln)

Gene: RUNX1 (RUNX family transcription factor 1; minus strand). Cytogenetic location: 21q22.12.
Variant type: single nucleotide variant.
Coding change: c.1377C>G on transcript NM_001754.5 (MANE Select); coding-DNA position 1377, C replaced by G.
Protein change: p.His459Gln; replaces histidine 459 with glutamine.
Molecular consequence: missense variant.
Genome position (GRCh38, 1-based): chr21:34,792,201, G>C on the plus strand (C>G on the coding strand, the complement: RUNX1 is on the minus strand). VCF-style: chr21-34792201-G-C. GRCh37 (hg19) VCF-style: chr21-36164498-G-C.
Other names: NM_001754.5(RUNX1):c.1377C>G; p.His459Gln; c.1296C>G, p.His432Gln (NM_001001890.3); short protein forms H432Q, H459Q.
Identifiers: ClinVar variation 1350529 (VCV001350529.9), dbSNP rs2145872600, ClinGen allele CA410147027.

ClinVar aggregate classification (germline): Uncertain significance. Review status: reviewed by expert panel (3 of 4 stars). 2 submissions from 2 submitters: Uncertain significance (1). 1 of the submissions does not count toward it. Last evaluated 2024-09-25.

Conditions:
Hereditary thrombocytopenia and hematologic cancer predisposition syndrome. Identifiers: Orphanet 71290, MedGen CN281654, MONDO:0011071.
Hereditary thrombocytopenia and hematological cancer predisposition syndrome associated with RUNX1. Also called: PLATELET DISORDER, ASPIRIN-LIKE; RUNX1 Familial Platelet Disorder with Associated Myeloid Malignancies; Familial Platelet Disorder with Propensity to Acute Myelogenous Leukemia; Familial thrombocytopenia with propensity to acute myelogenous leukemia. Identifiers: Orphanet 71290, MedGen C1832388, MeSH C563324, MONDO:0100083, OMIM 601399.

Submissions (2):

ClinGen Myeloid Malignancy Variant Curation Expert Panel
Classification: Uncertain significance for Hereditary thrombocytopenia and hematologic cancer predisposition syndrome. Last evaluated: 2024-09-25. Review status: reviewed by expert panel. Criteria: ClinGen MyeloMalig ACMG Specifications v2. Collection method: curation. Allele origin: germline. Inheritance: Autosomal dominant inheritance.
Comment: NM_001754.5(RUNX1):c.1377C>G (p.His459Gln) is a missense variant which has a REVEL score < 0.50 (0.317) and a SpliceAI score ≤ 0.20 (0.0) (BP4). This variant is completely absent from all population databases with at least 20x coverage for RUNX1 (PM2_Supporting). In summary, the clinical significance of this variant is uncertain. ACMG/AMP criteria applied, as specified by the Myeloid Malignancy Variant Curation Expert Panel for RUNX1: BP4, PM2_supporting.

Labcorp Genetics (formerly Invitae), Labcorp
Classification: Uncertain significance for Hereditary thrombocytopenia and hematological cancer predisposition syndrome associated with RUNX1. Last evaluated: 2021-05-01. Review status: criteria provided, single submitter. Criteria: Invitae Variant Classification Sherloc (09022015). Collection method: clinical testing. Allele origin: germline. Not counted in ClinVar's aggregate classification.
Comment: This sequence change replaces histidine with glutamine at codon 459 of the RUNX1 protein (p.His459Gln). The histidine residue is moderately conserved and there is a small physicochemical difference between histidine and glutamine. The frequency data for this variant in the population databases is considered unreliable, as metrics indicate insufficient coverage at this position in the ExAC database. This variant has not been reported in the literature in individuals with RUNX1-related conditions. Algorithms developed to predict the effect of missense changes on protein structure and function are either unavailable or do not agree on the potential impact of this missense change (SIFT: "Tolerated"; PolyPhen-2: "Probably Damaging"; Align-GVGD: "Class C0"). In summary, the available evidence is currently insufficient to determine the role of this variant in disease. Therefore, it has been classified as a Variant of Uncertain Significance.